The following is an entry in ClinVar:

ClinVar aggregate classification (germline): Benign/Likely benign. Review status: criteria provided, multiple submitters, no conflicts (2 of 4 stars). 4 submissions from 4 submitters: Benign (3); Likely benign (1). Last evaluated 2026-02-02.

Conditions:
Benign recurrent intrahepatic cholestasis type 1. Also called: SUMMERSKILL SYNDROME; Mild-to-Moderate ATP8B1 Deficiency (Benign Recurrent Intrahepatic Cholestasis 1 [BRIC1]). Identifiers: Orphanet 65682, Orphanet 99960, MedGen C4551899, MONDO:0009469, OMIM 243300.
Cholestasis, intrahepatic, of pregnancy, 1 (ICP1). Also called: CHOLESTASIS, PREGNANCY-RELATED, 1. Identifiers: Orphanet 69665, MedGen C3549845, MONDO:0007829, OMIM 147480.
Progressive familial intrahepatic cholestasis type 1. Also called: BYLER DISEASE; Byler's disease; Severe ATP8B1 Deficiency (Progressive Familial Intrahepatic Cholestasis Type 1 [PFIC1]). Identifiers: Orphanet 79306, MedGen C4551898, MONDO:0008892, OMIM 211600.

Allele frequency attached by ClinVar (database versions not stated): ESP Exome Variant Server 0.00008; gnomAD 0.00101 and 0.00149; TOPMed 0.00177; ExAC 0.00266; gnomAD exomes 0.00312; 1000 Genomes Project 30x 0.00937; 1000 Genomes Project 0.00978.
gnomAD v4.1: 1,768 of 1,581,384 alleles (0.11%); highest among the groups gnomAD compares: East Asian, 3%; 31 homozygotes.

Submissions (4):

Labcorp Genetics (formerly Invitae), Labcorp
Classification: Benign. Last evaluated: 2026-02-02. Review status: criteria provided, single submitter. Criteria: Invitae Variant Classification Sherloc (09022015). Collection method: clinical testing. Allele origin: germline.

Fulgent Genetics
Classification: Likely benign for Cholestasis, intrahepatic, of pregnancy, 1; Progressive familial intrahepatic cholestasis type 1; Benign recurrent intrahepatic cholestasis type 1. Last evaluated: 2022-03-21. Review status: criteria provided, single submitter. Criteria: ACMG Guidelines, 2015. Collection method: clinical testing. Allele origin: unknown.

Illumina Laboratory Services, Illumina
Classification: Benign for Progressive familial intrahepatic cholestasis type 1. Last evaluated: 2018-01-12. Review status: criteria provided, single submitter. Criteria: ICSL Variant Classification Criteria 13 December 2019. Collection method: clinical testing. Allele origin: germline.
Comment: This variant was observed in the ICSL laboratory as part of a predisposition screen in an ostensibly healthy population. It had not been previously curated by ICSL or reported in the Human Gene Mutation Database (HGMD: prior to June 1st, 2018), and was therefore a candidate for classification through an automated scoring system. Utilizing variant allele frequency, disease prevalence and penetrance estimates, and inheritance mode, an automated score was calculated to assess if this variant is too frequent to cause the disease. Based on the score and internal cut-off values, a variant classified as benign is not then subjected to further curation. The score for this variant resulted in a classification of benign for this disease.

GeneDx
Classification: Benign. Last evaluated: 2016-09-26. Review status: criteria provided, single submitter. Criteria: GeneDx Variant Classification (06012015). Collection method: clinical testing. Allele origin: germline. Affected: yes.
Comment: This variant is considered likely benign or benign based on one or more of the following criteria: it is a conservative change, it occurs at a poorly conserved position in the protein, it is predicted to be benign by multiple in silico algorithms, and/or has population frequency not consistent with disease.

NM_001374385.1(ATP8B1):c.2931+14G>A

Genes: ATP8B1 (ATPase phospholipid transporting 8B1; minus strand), ATP8B1-AS1 (ATP8B1 antisense RNA 1; plus strand). Cytogenetic location: 18q21.31.
Variant type: single nucleotide variant.
Coding change: c.2931+14G>A on transcript NM_001374385.1 (MANE Select); 14 bases into the intron after coding-DNA position 2931, G replaced by A.
Molecular consequence: intron variant.
Genome position (GRCh38, 1-based): chr18:57,655,180, C>T on the plus strand (G>A on the coding strand, the complement: ATP8B1 is on the minus strand). VCF-style: chr18-57655180-C-T. GRCh37 (hg19) VCF-style: chr18-55322412-C-T.
Other names: c.2931+14G>A (NM_005603.6); c.2781+14G>A (NM_001374386.1).
Identifiers: ClinVar variation 327474 (VCV000327474.10), dbSNP rs34451179, ClinGen allele CA8974131.